The following is an entry in ClinVar:

NM_005639.3(SYT1):c.378T>C (p.Thr126=)

Gene: SYT1 (synaptotagmin 1; plus strand). Cytogenetic location: 12q21.2.
Variant type: single nucleotide variant.
Coding change: c.378T>C on transcript NM_005639.3 (MANE Select); coding-DNA position 378, T replaced by C.
Protein change: p.Thr126=; no amino-acid change (threonine 126 retained).
Molecular consequence: synonymous variant.
Genome position (GRCh38, 1-based): chr12:79,292,034, T>C. VCF-style: chr12-79292034-T-C. GRCh37 (hg19) VCF-style: chr12-79685814-T-C.
Other names: c.378T>C, p.Thr126= (NM_001135805.2, NM_001135806.2); c.369T>C, p.Thr123= (NM_001291901.2); c.378T>C (NM_001135805.1).
Identifiers: ClinVar variation 790668 (VCV000790668.7), dbSNP rs34404568, ClinGen allele CA6698816.

ClinVar aggregate classification (germline): Benign. Review status: criteria provided, multiple submitters, no conflicts (2 of 4 stars). 3 submissions from 3 submitters: Benign (2). 1 of the submissions does not count toward it. Last evaluated 2019-12-31.

Conditions:
SYT1-related disorder. Also called: SYT1-related condition.

Allele frequency attached by ClinVar (database versions not stated): gnomAD exomes 0.00272 and 0.00449; ExAC 0.00484; 1000 Genomes Project 0.00938; gnomAD 0.01023 and 0.01096; 1000 Genomes Project 30x 0.01062; TOPMed 0.01180; ESP Exome Variant Server 0.01261.
gnomAD v4.1: 5,772 of 1,613,946 alleles (0.36%); highest among the groups gnomAD compares: African/African-American, 3%; 50 homozygotes.

Submissions (3):

Labcorp Genetics (formerly Invitae), Labcorp
Classification: Benign. Last evaluated: 2019-12-31. Review status: criteria provided, single submitter. Criteria: Invitae Variant Classification Sherloc (09022015). Collection method: clinical testing. Allele origin: germline.

Breakthrough Genomics
Classification: Benign. Review status: criteria provided, single submitter. Criteria: ACMG Guidelines, 2015. Collection method: not provided. Allele origin: germline. Inheritance: Autosomal dominant inheritance. Affected: yes.

PreventionGenetics, part of Exact Sciences
Classification: Benign for SYT1-related condition. Last evaluated: 2019-03-01. Review status: no assertion criteria provided. Collection method: clinical testing. Allele origin: germline. Not counted in ClinVar's aggregate classification.
Comment: This variant is classified as benign based on ACMG/AMP sequence variant interpretation guidelines (Richards et al. 2015 PMID: 25741868, with internal and published modifications).